The following is an entry in ClinVar:

NM_080911.3(UNG):c.61G>A (p.Ala21Thr)

Gene: UNG (uracil DNA glycosylase; plus strand). Cytogenetic location: 12q24.11.
Variant type: single nucleotide variant.
Coding change: c.61G>A on transcript NM_080911.3 (MANE Select); coding-DNA position 61, G replaced by A.
Protein change: p.Ala21Thr; replaces alanine 21 with threonine.
Molecular consequence: missense variant.
Genome position (GRCh38, 1-based): chr12:109,097,740, G>A. VCF-style: chr12-109097740-G-A. GRCh37 (hg19) VCF-style: chr12-109535545-G-A.
Other names: short protein forms A21T.
Identifiers: ClinVar variation 643750 (VCV000643750.10), dbSNP rs1435043915, ClinGen allele CA386468690.

ClinVar aggregate classification (germline): Uncertain significance. Review status: criteria provided, multiple submitters, no conflicts (2 of 4 stars). 2 submissions from 2 submitters: Uncertain significance (2). Last evaluated 2025-06-06.

Conditions:
Hyper-IgM syndrome type 5 (HIGM5). Also called: Hyper-IgM Immunodeficiency Syndrome, Type 5. Identifiers: Orphanet 101092, MedGen C1720958, MONDO:0011971, OMIM 608106.

Allele frequency attached by ClinVar (database versions not stated): gnomAD 0.00001; gnomAD exomes 0.00001; TOPMed 0.00001.
gnomAD v4.1: 25 of 1,578,426 alleles (0.0016%); highest among the groups gnomAD compares: Non-Finnish European, 0.0021%; no homozygotes.

Submissions (2):

Ambry Genetics
Classification: Uncertain significance. Last evaluated: 2025-06-06. Review status: criteria provided, single submitter. Criteria: Ambry Variant Classification Scheme 2023. Collection method: clinical testing. Allele origin: germline.

Labcorp Genetics (formerly Invitae), Labcorp
Classification: Uncertain significance for Hyper-IgM syndrome type 5. Last evaluated: 2023-05-20. Review status: criteria provided, single submitter. Criteria: Invitae Variant Classification Sherloc (09022015). Collection method: clinical testing. Allele origin: germline.
Comment: This sequence change replaces alanine, which is neutral and non-polar, with threonine, which is neutral and polar, at codon 21 of the UNG protein (p.Ala21Thr). This variant is present in population databases (no rsID available, gnomAD 0.001%). In summary, the available evidence is currently insufficient to determine the role of this variant in disease. Therefore, it has been classified as a Variant of Uncertain Significance. Algorithms developed to predict the effect of missense changes on protein structure and function output the following: SIFT: "Not Available"; PolyPhen-2: "Benign"; Align-GVGD: "Not Available". The threonine amino acid residue is found in multiple mammalian species, which suggests that this missense change does not adversely affect protein function. ClinVar contains an entry for this variant (Variation ID: 643750). This variant has not been reported in the literature in individuals affected with UNG-related conditions.